The following is an entry in ClinVar:

ClinVar aggregate classification (germline): Uncertain significance (1 of 4 stars; one submission).

gnomAD v4.1: 3 of 1,611,736 alleles (0.00019%); highest among the groups gnomAD compares: African/African-American, 0.004%; no homozygotes.

Submission:

Labcorp Genetics (formerly Invitae), Labcorp
Classification: Uncertain significance. Last evaluated: 2025-03-18. Review status: criteria provided, single submitter. Criteria: Invitae Variant Classification Sherloc (09022015). Collection method: clinical testing. Allele origin: germline.
Comment: This sequence change replaces phenylalanine, which is neutral and non-polar, with leucine, which is neutral and non-polar, at codon 161 of the P4HB protein (p.Phe161Leu). This variant is not present in population databases (gnomAD no frequency). This variant has not been reported in the literature in individuals affected with P4HB-related conditions. Invitae Evidence Modeling of protein sequence and biophysical properties (such as structural, functional, and spatial information, amino acid conservation, physicochemical variation, residue mobility, and thermodynamic stability) indicates that this missense variant is expected to disrupt P4HB protein function with a positive predictive value of 80%. In summary, the available evidence is currently insufficient to determine the role of this variant in disease. Therefore, it has been classified as a Variant of Uncertain Significance.

NM_000918.4(P4HB):c.483C>A (p.Phe161Leu)

Gene: P4HB (prolyl 4-hydroxylase subunit beta; minus strand). Cytogenetic location: 17q25.3.
Variant type: single nucleotide variant.
Coding change: c.483C>A on transcript NM_000918.4 (MANE Select); coding-DNA position 483, C replaced by A.
Protein change: p.Phe161Leu; replaces phenylalanine 161 with leucine.
Molecular consequence: missense variant.
Genome position (GRCh38, 1-based): chr17:81,855,456, G>T on the plus strand (C>A on the coding strand, the complement: P4HB is on the minus strand). VCF-style: chr17-81855456-G-T. GRCh37 (hg19) VCF-style: chr17-79813332-G-T.
Other names: short protein forms F161L.
Identifiers: ClinVar variation 4709068 (VCV004709068.1).
Genomic context (GRCh38, chr17:81,855,456, plus strand): 5'-GGACCCCTCCTCAATGGATGACGGAAGGAAGGAAGACTGGAATGCTCTGGTCTCTACCTT[G>T]AAGAAGCCGATGACAGCCACCTCGCTGGACTCCACCAAGGACTCTGCAGCTGCGCCGTCA-3'
Protein context (NP_000909.2, residues 151-171): ESSEVAVIGF[Phe161Leu]KDVESDSAKQ